The following is an entry in ClinVar:

ClinVar aggregate classification (germline): Conflicting classifications of pathogenicity. Review status: criteria provided, conflicting classifications (1 of 4 stars). 3 submissions from 3 submitters: Uncertain significance (1); Likely benign (2). Last evaluated 2025-08-16.

Conditions:
Microphthalmia with brain and digit anomalies (MCOPS6). Also called: MICROPHTHALMIA AND PITUITARY ANOMALIES; Microphthalmia, syndromic 6. Identifiers: Orphanet 139471, MedGen C1864689, MONDO:0011936, OMIM 607932.
Orofacial cleft 11 (OFC11). Also called: CLEFT LIP WITH OR WITHOUT CLEFT PALATE, NONSYNDROMIC, 11; Orofacial cleft 11; ofc11. Identifiers: MedGen C2677434, MONDO:0010906, OMIM 600625.

Allele frequency attached by ClinVar (database versions not stated): TOPMed 0.00012; gnomAD exomes 0.00018; ExAC 0.00020; gnomAD 0.00003 and 0.00004.
gnomAD v4.1: 73 of 1,613,588 alleles (0.0045%); highest among the groups gnomAD compares: East Asian, 0.14%; no homozygotes.

Submissions (3):

Labcorp Genetics (formerly Invitae), Labcorp
Classification: Likely benign for Microphthalmia with brain and digit anomalies; Orofacial cleft 11. Last evaluated: 2025-08-16. Review status: criteria provided, single submitter. Criteria: Invitae Variant Classification Sherloc (09022015). Collection method: clinical testing. Allele origin: germline.

Mendelics
Classification: Uncertain significance. Last evaluated: 2022-05-04. Review status: criteria provided, single submitter. Criteria: Mendelics Assertion Criteria 2019. Collection method: clinical testing. Allele origin: germline.

Juno Genomics, Hangzhou Juno Genomics, Inc
Classification: Likely benign for Microphthalmia with brain and digit anomalies; Orofacial cleft 11. Review status: criteria provided, single submitter. Criteria: ACMG Guidelines, 2015. Collection method: clinical testing. Allele origin: germline.
Comment: Observed in a healthy adult individual for a recessive/dominant/X-linked disorder with full penetrance.

NM_001202.6(BMP4):c.485G>A (p.Arg162Gln)

Gene: BMP4 (bone morphogenetic protein 4; minus strand). Cytogenetic location: 14q22.2.
Variant type: single nucleotide variant.
Coding change: c.485G>A on transcript NM_001202.6 (MANE Select); coding-DNA position 485, G replaced by A.
Protein change: p.Arg162Gln; replaces arginine 162 with glutamine.
Molecular consequence: missense variant.
Genome position (GRCh38, 1-based): chr14:53,950,774, C>T on the plus strand (G>A on the coding strand, the complement: BMP4 is on the minus strand). VCF-style: chr14-53950774-C-T. GRCh37 (hg19) VCF-style: chr14-54417492-C-T.
Other names: c.626G>A, p.Arg209Gln (NM_001347912.1); c.296G>A, p.Arg99Gln (NM_001347913.2, NM_001347915.2, NM_001347917.1); c.485G>A, p.Arg162Gln (NM_001347914.2, NM_001347916.1, NM_130850.5 and 1 more transcripts); short protein forms R162Q, R209Q, R99Q.
Identifiers: ClinVar variation 1595389 (VCV001595389.11), dbSNP rs770493925, ClinGen allele CA7191728.